The following is an entry in ClinVar:

ClinVar aggregate classification (germline): Uncertain significance. Review status: criteria provided, multiple submitters, no conflicts (2 of 4 stars). 5 submissions from 5 submitters: Uncertain significance (5). Last evaluated 2025-02-04.

Conditions:
CNGB1-related disorder. Also called: CNGB1-related condition.
Retinal dystrophy. Also called: Inherited retinal dystrophy. Identifiers: Orphanet 71862, MedGen C0854723, MeSH D058499, MONDO:0019118, HP:0000556.
Retinitis pigmentosa (RP). Identifiers: Orphanet 791, MedGen C0035334, MeSH D012174, MONDO:0019200, OMIM 268000. Inheritance: Autosomal dominant, autosomal recessive and X linked inheritance.

Allele frequency attached by ClinVar (database versions not stated): gnomAD 0.00001 and 0.00003; TOPMed 0.00003; gnomAD exomes 0.00005 and 0.00008; ExAC 0.00006; 1000 Genomes Project 0.00040; 1000 Genomes Project 30x 0.00047.
gnomAD v4.1: 124 of 1,613,584 alleles (0.0077%); highest among the groups gnomAD compares: East Asian, 0.17%; no homozygotes.

Submissions (5):

PreventionGenetics, part of Exact Sciences
Classification: Uncertain significance for CNGB1-related condition. Last evaluated: 2025-02-04. Review status: criteria provided, single submitter. Criteria: ACMG Guidelines, 2015. Collection method: clinical testing. Allele origin: germline.
Comment: The CNGB1 c.2154C>T variant is not predicted to result in an amino acid change (p.=). This variant is strongly predicted to create a cryptic donor splice site (SpliceAI, Jaganathan et al. 2019. PubMed ID: 30661751). To our knowledge, this variant has not been reported in the literature. This variant is present in 0.039% of alleles in individuals of East Asian descent in gnomAD. At this time, the clinical significance of this variant is uncertain due to the absence of conclusive functional and genetic evidence.

Dept Of Ophthalmology, Nagoya University
Classification: Uncertain significance for Retinal dystrophy. Last evaluated: 2023-10-01. Review status: criteria provided, single submitter. Criteria: Submitter's publication. Collection method: research. Allele origin: germline. Affected: yes.

Blueprint Genetics
Classification: Uncertain significance. Last evaluated: 2022-11-18. Review status: criteria provided, single submitter. Criteria: ACMG Guidelines, 2015. Collection method: clinical testing. Allele origin: germline.

Labcorp Genetics (formerly Invitae), Labcorp
Classification: Uncertain significance. Last evaluated: 2022-08-09. Review status: criteria provided, single submitter. Criteria: Invitae Variant Classification Sherloc (09022015). Collection method: clinical testing. Allele origin: germline.
Comment: This sequence change affects codon 718 of the CNGB1 mRNA. It is a 'silent' change, meaning that it does not change the encoded amino acid sequence of the CNGB1 protein. This variant is present in population databases (rs541698458, gnomAD 0.03%). This variant has not been reported in the literature in individuals affected with CNGB1-related conditions. ClinVar contains an entry for this variant (Variation ID: 885333). Algorithms developed to predict the effect of sequence changes on RNA splicing suggest that this variant may disrupt the consensus splice site. In summary, the available evidence is currently insufficient to determine the role of this variant in disease. Therefore, it has been classified as a Variant of Uncertain Significance.

Illumina Laboratory Services, Illumina
Classification: Uncertain significance for Retinitis pigmentosa. Last evaluated: 2018-01-12. Review status: criteria provided, single submitter. Criteria: ICSL Variant Classification Criteria 13 December 2019. Collection method: clinical testing. Allele origin: germline.

NM_001297.5(CNGB1):c.2154C>T (p.Gly718=)

Gene: CNGB1 (cyclic nucleotide gated channel subunit beta 1; minus strand). Cytogenetic location: 16q21.
Variant type: single nucleotide variant.
Coding change: c.2154C>T on transcript NM_001297.5 (MANE Select); coding-DNA position 2154, C replaced by T.
Protein change: p.Gly718=; no amino-acid change (glycine 718 retained).
Molecular consequence: synonymous variant.
Genome position (GRCh38, 1-based): chr16:57,917,280, G>A on the plus strand (C>T on the coding strand, the complement: CNGB1 is on the minus strand). VCF-style: chr16-57917280-G-A. GRCh37 (hg19) VCF-style: chr16-57951184-G-A.
Other names: c.2136C>T, p.Gly712= (NM_001286130.2).
Identifiers: ClinVar variation 885333 (VCV000885333.10), dbSNP rs541698458, ClinGen allele CA8083164.
Genomic context (GRCh38, chr16:57,917,280, plus strand): 5'-TGAGCGGTCTGCCCCCGGTCACCCCAACACCACCTGCCTGTGACTCACAATGATGTCCCC[G>A]CCTCTGACAAACTGCAGGCGTGTCTGGAACACGGTGATGTCCAGGAAGTAGATGAGGTCG-3'
Protein context (NP_001288.3, residues 708-728): VFQTRLQFVR[Gly718=]GDIITDKKDM